The following is an entry in ClinVar:

ClinVar aggregate classification (germline): Likely benign. Review status: criteria provided, multiple submitters, no conflicts (2 of 4 stars). 2 submissions from 2 submitters: Likely benign (2). Last evaluated 2024-04-15.

Conditions:
Ataxia-telangiectasia syndrome (AT). Also called: AT, COMPLEMENTATION GROUP C; ATAXIA-TELANGIECTASIA, COMPLEMENTATION GROUP A; ATAXIA-TELANGIECTASIA, FRESNO VARIANT; LOUIS-BAR SYNDROME; Ataxia-telangiectasia; Cerebello-oculocutaneous telangiectasia. Identifiers: Orphanet 100, MedGen C0004135, MONDO:0008840, OMIM 208900.

Submissions (2):

Labcorp Genetics (formerly Invitae), Labcorp
Classification: Likely benign for Ataxia-telangiectasia syndrome. Last evaluated: 2024-04-15. Review status: criteria provided, single submitter. Criteria: Invitae Variant Classification Sherloc (09022015). Collection method: clinical testing. Allele origin: germline.

GeneDx
Classification: Likely benign. Last evaluated: 2016-07-06. Review status: criteria provided, single submitter. Criteria: GeneDx Variant Classification (06012015). Collection method: clinical testing. Allele origin: germline. Affected: yes.
Comment: This variant is considered likely benign or benign based on one or more of the following criteria: it is a conservative change, it occurs at a poorly conserved position in the protein, it is predicted to be benign by multiple in silico algorithms, and/or has population frequency not consistent with disease.

NM_000051.4(ATM):c.4611+18C>T

Gene: ATM (ATM serine/threonine kinase; plus strand). Cytogenetic location: 11q22.3.
Variant type: single nucleotide variant.
Coding change: c.4611+18C>T on transcript NM_000051.4 (MANE Select); 18 bases into the intron after coding-DNA position 4611, C replaced by T.
Molecular consequence: intron variant.
Genome position (GRCh38, 1-based): chr11:108,292,811, C>T. VCF-style: chr11-108292811-C-T. GRCh37 (hg19) VCF-style: chr11-108163538-C-T.
Other names: c.4611+18C>T (NM_001351834.2).
Identifiers: ClinVar variation 387619 (VCV000387619.4), dbSNP rs1057522843, ClinGen allele CA16606079.
Genomic context (GRCh38, chr11:108,292,811, plus strand): 5'-ACTTATACCCCTTGTGTATGAGCAGGTGGAGGTTCAGAAACAGGTAATTTTCTGACTCAT[C>T]TTCAAAATGGTATTTAAAATATATAAAGTATTGTTAGAAGGATTTGAGTGTTTTATGTTT-3'